The following is an entry in ClinVar:

NM_017617.5(NOTCH1):c.2718C>T (p.Thr906=)

Gene: NOTCH1 (notch receptor 1; minus strand). Cytogenetic location: 9q34.3.
Variant type: single nucleotide variant.
Coding change: c.2718C>T on transcript NM_017617.5 (MANE Select); coding-DNA position 2718, C replaced by T.
Protein change: p.Thr906=; no amino-acid change (threonine 906 retained).
Molecular consequence: synonymous variant.
Genome position (GRCh38, 1-based): chr9:136,510,675, G>A on the plus strand (C>T on the coding strand, the complement: NOTCH1 is on the minus strand). VCF-style: chr9-136510675-G-A. GRCh37 (hg19) VCF-style: chr9-139405127-G-A.
Other names: c.2718C>T, p.Thr906= (LRG_1122t1); c.2718C>T (NM_017617.4).
Identifiers: ClinVar variation 512420 (VCV000512420.43), dbSNP rs200243788, ClinGen allele CA5341196.
Genomic context (GRCh38, chr9:136,510,675, plus strand): 5'-AGCTTCCTGGAGGAGGCCAGAGCCGCGGGGCTACTCACTGGGCCGGCAGTCGTCGATGTC[G>A]GTCTCGCAGTTGCGCCCACTGTAGCCGGCCTGGCAGTGGCAGCGGTAGCCGCCGTGGGTG-3'
Protein context (NP_060087.3, residues 896-916): QAGYSGRNCE[Thr906=]DIDDCRPNPC

ClinVar aggregate classification (germline): Likely benign. Review status: criteria provided, multiple submitters, no conflicts (2 of 4 stars). 9 submissions from 8 submitters: Likely benign (8). 1 of the submissions does not count toward it. Last evaluated 2026-01-31.

Conditions:
Aortic valve disease 1 (AOVD1). Identifiers: MedGen C3887892, MONDO:0024523, OMIM 109730.
NOTCH1-related disorder. Also called: NOTCH1-related condition; NOTCH1-related disorders.
Familial thoracic aortic aneurysm and aortic dissection (TAAD). Also called: Thoracic aortic aneurysms and dissections. Identifiers: Orphanet 91387, MedGen C4707243, MONDO:0019625.
Adams-Oliver syndrome 5 (AOS5). Identifiers: Orphanet 974, MedGen C4014970, MONDO:0014459, OMIM 616028.

Allele frequency attached by ClinVar (database versions not stated): ESP Exome Variant Server 0.00008; TOPMed 0.00010; gnomAD 0.00015 and 0.00016; gnomAD exomes 0.00018 and 0.00022; ExAC 0.00042.
gnomAD v4.1: 296 of 1,608,608 alleles (0.018%); highest among the groups gnomAD compares: Non-Finnish European, 0.022%; no homozygotes.

Submissions (9):

Labcorp Genetics (formerly Invitae), Labcorp
Classification: Likely benign for Adams-Oliver syndrome 5. Last evaluated: 2026-01-31. Review status: criteria provided, single submitter. Criteria: Invitae Variant Classification Sherloc (09022015). Collection method: clinical testing. Allele origin: germline.

Laboratory of Genetics, Children's Clinical University Hospital Latvia
Classification: Likely benign. Last evaluated: 2025-02-16. Review status: criteria provided, single submitter. Criteria: ACMG Guidelines, 2015. Collection method: clinical testing. Allele origin: germline. Affected: yes.

Blueprint Genetics
Classification: Likely benign. Last evaluated: 2024-10-29. Review status: criteria provided, single submitter. Criteria: ACMG Guidelines, 2015. Collection method: clinical testing. Allele origin: germline.

CeGaT Center for Human Genetics Tuebingen
Classification: Likely benign. Last evaluated: 2022-08-01. Review status: criteria provided, single submitter. Criteria: CeGaT Center For Human Genetics Tuebingen Variant Classification Criteria Version 2. Collection method: clinical testing. Allele origin: germline. Affected: yes. Observed: 1 variant allele.
Comment: NOTCH1: BP4, BP7

Genome-Nilou Lab
Classification: Likely benign for Adams-Oliver syndrome 5. Last evaluated: 2022-03-15. Review status: criteria provided, single submitter. Criteria: ACMG Guidelines, 2015. Collection method: clinical testing. Allele origin: germline. Affected: no.

Genome-Nilou Lab
Classification: Likely benign for Aortic valve disease 1. Last evaluated: 2022-03-15. Review status: criteria provided, single submitter. Criteria: ACMG Guidelines, 2015. Collection method: clinical testing. Allele origin: germline. Affected: no.

Ambry Genetics
Classification: Likely benign for Familial thoracic aortic aneurysm and aortic dissection. Last evaluated: 2021-03-23. Review status: criteria provided, single submitter. Criteria: Ambry Variant Classification Scheme 2023. Collection method: clinical testing. Allele origin: germline.

GeneDx
Classification: Likely benign. Last evaluated: 2020-09-14. Review status: criteria provided, single submitter. Criteria: GeneDx Variant Classification Process June 2021. Collection method: clinical testing. Allele origin: germline. Affected: yes.

PreventionGenetics, part of Exact Sciences
Classification: Likely benign for NOTCH1-related condition. Last evaluated: 2019-11-21. Review status: no assertion criteria provided. Collection method: clinical testing. Allele origin: germline. Not counted in ClinVar's aggregate classification.
Comment: This variant is classified as likely benign based on ACMG/AMP sequence variant interpretation guidelines (Richards et al. 2015 PMID: 25741868, with internal and published modifications).